The following is an entry in ClinVar:

ClinVar aggregate classification (germline): Uncertain significance (1 of 4 stars; one submission).

Submission:

Labcorp Genetics (formerly Invitae), Labcorp
Classification: Uncertain significance. Last evaluated: 2024-08-27. Review status: criteria provided, single submitter. Criteria: Invitae Variant Classification Sherloc (09022015). Collection method: clinical testing. Allele origin: germline.
Comment: This sequence change replaces proline, which is neutral and non-polar, with arginine, which is basic and polar, at codon 1972 of the DCHS1 protein (p.Pro1972Arg). This variant is not present in population databases (gnomAD no frequency). This variant has not been reported in the literature in individuals affected with DCHS1-related conditions. Invitae Evidence Modeling of protein sequence and biophysical properties (such as structural, functional, and spatial information, amino acid conservation, physicochemical variation, residue mobility, and thermodynamic stability) indicates that this missense variant is not expected to disrupt DCHS1 protein function with a negative predictive value of 80%. In summary, the available evidence is currently insufficient to determine the role of this variant in disease. Therefore, it has been classified as a Variant of Uncertain Significance.

NM_003737.4(DCHS1):c.5915C>G (p.Pro1972Arg)

Gene: DCHS1 (dachsous cadherin-related 1; minus strand). Cytogenetic location: 11p15.4.
Variant type: single nucleotide variant.
Coding change: c.5915C>G on transcript NM_003737.4 (MANE Select); coding-DNA position 5915, C replaced by G.
Protein change: p.Pro1972Arg; replaces proline 1972 with arginine.
Molecular consequence: missense variant.
Genome position (GRCh38, 1-based): chr11:6,627,124, G>C on the plus strand (C>G on the coding strand, the complement: DCHS1 is on the minus strand). VCF-style: chr11-6627124-G-C. GRCh37 (hg19) VCF-style: chr11-6648355-G-C.
Other names: short protein forms P1972R.
Identifiers: ClinVar variation 3663406 (VCV003663406.2).